The following is an entry in ClinVar:

ClinVar aggregate classification (germline): Uncertain significance. Review status: criteria provided, multiple submitters, no conflicts (2 of 4 stars). 2 submissions from 2 submitters: Uncertain significance (2). Last evaluated 2025-04-02.

Conditions:
Hereditary cancer-predisposing syndrome. Also called: Tumor predisposition; Neoplastic Syndromes, Hereditary; Hereditary Cancer Syndrome; Hereditary neoplastic syndrome. Identifiers: Orphanet 140162, MedGen C0027672, MeSH D009386, MONDO:0015356.
Bloom syndrome (BLM). Also called: Bloom-Torre-Machacek syndrome. Identifiers: Orphanet 125, MedGen C0005859, MONDO:0008876, OMIM 210900.

Submissions (2):

Labcorp Genetics (formerly Invitae), Labcorp
Classification: Uncertain significance for Bloom syndrome. Last evaluated: 2025-04-02. Review status: criteria provided, single submitter. Criteria: Invitae Variant Classification Sherloc (09022015). Collection method: clinical testing. Allele origin: germline.
Comment: This sequence change replaces methionine, which is neutral and non-polar, with isoleucine, which is neutral and non-polar, at codon 827 of the BLM protein (p.Met827Ile). This variant is not present in population databases (gnomAD no frequency). This variant has not been reported in the literature in individuals affected with BLM-related conditions. ClinVar contains an entry for this variant (Variation ID: 3480840). Invitae Evidence Modeling of protein sequence and biophysical properties (such as structural, functional, and spatial information, amino acid conservation, physicochemical variation, residue mobility, and thermodynamic stability) indicates that this missense variant is not expected to disrupt BLM protein function with a negative predictive value of 80%. In summary, the available evidence is currently insufficient to determine the role of this variant in disease. Therefore, it has been classified as a Variant of Uncertain Significance.

Ambry Genetics
Classification: Uncertain significance for Hereditary cancer-predisposing syndrome. Last evaluated: 2024-08-26. Review status: criteria provided, single submitter. Criteria: Ambry Variant Classification Scheme 2023. Collection method: clinical testing. Allele origin: germline.
Comment: The p.M827I variant (also known as c.2481G>T), located in coding exon 11 of the BLM gene, results from a G to T substitution at nucleotide position 2481. The methionine at codon 827 is replaced by isoleucine, an amino acid with highly similar properties. This amino acid position is conserved. In addition, the in silico prediction for this alteration is inconclusive. Based on the available evidence, the clinical significance of this variant remains unclear.

NM_000057.4(BLM):c.2481G>T (p.Met827Ile)

Gene: BLM (BLM RecQ like helicase; plus strand). Cytogenetic location: 15q26.1.
Variant type: single nucleotide variant.
Coding change: c.2481G>T on transcript NM_000057.4 (MANE Select); coding-DNA position 2481, G replaced by T.
Protein change: p.Met827Ile; replaces methionine 827 with isoleucine.
Molecular consequence: missense variant.
Genome position (GRCh38, 1-based): chr15:90,769,512, G>T. VCF-style: chr15-90769512-G-T. GRCh37 (hg19) VCF-style: chr15-91312742-G-T.
Other names: c.2481G>T, p.Met827Ile (NM_001287246.2, NM_001287247.2); c.1356G>T, p.Met452Ile (NM_001287248.2); short protein forms M452I, M827I.
Identifiers: ClinVar variation 3480840 (VCV003480840.2).